The following is an entry in ClinVar:

ClinVar aggregate classification (germline): Uncertain significance. Review status: criteria provided, multiple submitters, no conflicts (2 of 4 stars). 2 submissions from 2 submitters: Uncertain significance (2). Last evaluated 2025-10-13.

Conditions:
Hereditary cancer-predisposing syndrome. Also called: Neoplastic Syndromes, Hereditary; Tumor predisposition; Hereditary Cancer Syndrome; Hereditary neoplastic syndrome. Identifiers: Orphanet 140162, MedGen C0027672, MeSH D009386, MONDO:0015356.
Multiple endocrine neoplasia, type 2 (MEN2). Identifiers: Orphanet 653, MedGen C4048306, MONDO:0019003. Disease mechanism: gain of function.

Allele frequency attached by ClinVar (database versions not stated): gnomAD 0.00001.

Submissions (2):

Ambry Genetics
Classification: Uncertain significance for Hereditary cancer-predisposing syndrome. Last evaluated: 2025-10-13. Review status: criteria provided, single submitter. Criteria: Ambry Variant Classification Scheme 2023. Collection method: clinical testing. Allele origin: germline.
Comment: The p.G7S variant (also known as c.19G>A), located in coding exon 1 of the RET gene, results from a G to A substitution at nucleotide position 19. The glycine at codon 7 is replaced by serine, an amino acid with similar properties. This amino acid position is not well conserved in available vertebrate species. In addition, the in silico prediction for this alteration is inconclusive. Since supporting evidence is limited at this time, the clinical significance of this alteration remains unclear.

Labcorp Genetics (formerly Invitae), Labcorp
Classification: Uncertain significance for Multiple endocrine neoplasia, type 2. Last evaluated: 2024-11-15. Review status: criteria provided, single submitter. Criteria: Invitae Variant Classification Sherloc (09022015). Collection method: clinical testing. Allele origin: germline.
Comment: This sequence change replaces glycine, which is neutral and non-polar, with serine, which is neutral and polar, at codon 7 of the RET protein (p.Gly7Ser). This variant is present in population databases (no rsID available, gnomAD 0.01%). This variant has not been reported in the literature in individuals affected with RET-related conditions. ClinVar contains an entry for this variant (Variation ID: 1001221). An algorithm developed to predict the effect of missense changes on protein structure and function outputs the following: PolyPhen-2: "Possibly Damaging". The serine amino acid residue is found in multiple mammalian species, which suggests that this missense change does not adversely affect protein function. In summary, the available evidence is currently insufficient to determine the role of this variant in disease. Therefore, it has been classified as a Variant of Uncertain Significance.

NM_020975.6(RET):c.19G>A (p.Gly7Ser)

Genes: RET (ret proto-oncogene; plus strand), LOC106736614 (RET 5' regulatory region; plus strand). Cytogenetic location: 10q11.21.
Variant type: single nucleotide variant.
Coding change: c.19G>A on transcript NM_020975.6 (MANE Select); coding-DNA position 19, G replaced by A.
Protein change: p.Gly7Ser; replaces glycine 7 with serine.
Molecular consequence: missense variant.
Genome position (GRCh38, 1-based): chr10:43,077,277, G>A. VCF-style: chr10-43077277-G-A. GRCh37 (hg19) VCF-style: chr10-43572725-G-A.
Other names: c.19G>A, p.Gly7Ser (NM_000323.2, NM_001406743.1, NM_001406744.1 and 38 more transcripts); short protein forms G7S.
Identifiers: ClinVar variation 1001221 (VCV001001221.11), dbSNP rs1257661718, ClinGen allele CA376768030.
Genomic context (GRCh38, chr10:43,077,277, plus strand): 5'-TAGCCGCAGTCCCTCCAGCCGTGGCCCCAGCGCGCACGGGCGATGGCGAAGGCGACGTCC[G>A]GTGCCGCGGGGCTGCGTCTGCTGTTGCTGCTGCTGCTGCCGCTGCTAGGCAAAGGTGAGT-3'
Protein context (NP_066124.1, residues 1-17): MAKATS[Gly7Ser]AAGLRLLLLL